The following is an entry in ClinVar:

ClinVar aggregate classification (germline): Uncertain significance. Review status: criteria provided, multiple submitters, no conflicts (2 of 4 stars). 2 submissions from 2 submitters: Uncertain significance (2). Last evaluated 2025-09-25.

Conditions:
Neurodevelopmental disorder with or without anomalies of the brain, eye, or heart (NEDBEH). Identifiers: Orphanet 494344, MedGen C5567477, MONDO:0014857, OMIM 616975.
Inborn genetic diseases. Identifiers: MedGen C0950123, MeSH D030342.

gnomAD v4.1: 5 of 1,004,962 alleles (0.0005%); highest among the groups gnomAD compares: Non-Finnish European, 0.00069%; no homozygotes.

Submissions (2):

Ambry Genetics
Classification: Uncertain significance for Inborn genetic diseases. Last evaluated: 2025-09-25. Review status: criteria provided, single submitter. Criteria: Ambry Variant Classification Scheme 2023. Collection method: clinical testing. Allele origin: germline.

Pittsburgh Clinical Genomics Laboratory, University of Pittsburgh Medical Center
Classification: Uncertain significance for Neurodevelopmental disorder with or without anomalies of the brain, eye, or heart. Last evaluated: 2022-11-04. Review status: criteria provided, single submitter. Criteria: ACMG Guidelines, 2015. Collection method: clinical testing. Allele origin: germline. Inheritance: Autosomal dominant inheritance. Affected: yes.
Comment: This sequence variant is a single nucleotide substitution (C>T) at coding position 3065 of the RERE gene that results in a proline to leucine amino acid change at residue 1022 of the RERE protein. This is a novel variant that has not been previously reported to databases of clinically relevant variant (ClinVar) or observed in the literature in individuals with RERE-related disease, to our knowledge. This variant is not present in the gnomAD population database (0 of ~140,000 alleles). Bioinformatic tools predict that this variant would be tolerated; however, the Pro1022 residue is well conserved across the mammalian species examined. Functiol studies testing the effect of this variant on protein structure or activity have not been performed, to our knowledge. At this time, there is insufficient evidence to determine if this variant is pathogenic or benign. Therefore, we consider this to be a variant of uncertain significance. ACMG Criteria: BP4, PM2

NM_001042681.2(RERE):c.3065C>T (p.Pro1022Leu)

Gene: RERE (arginine-glutamic acid dipeptide repeats; minus strand). Cytogenetic location: 1p36.23.
Variant type: single nucleotide variant.
Coding change: c.3065C>T on transcript NM_001042681.2 (MANE Select); coding-DNA position 3065, C replaced by T.
Protein change: p.Pro1022Leu; replaces proline 1022 with leucine.
Molecular consequence: missense variant.
Genome position (GRCh38, 1-based): chr1:8,360,442, G>A on the plus strand (C>T on the coding strand, the complement: RERE is on the minus strand). VCF-style: chr1-8360442-G-A. GRCh37 (hg19) VCF-style: chr1-8420502-G-A.
Other names: c.1403C>T, p.Pro468Leu (NM_001042682.2); c.3065C>T, p.Pro1022Leu (NM_012102.4); c.3065C>T (NM_012102.3); short protein forms P1022L, P468L.
Identifiers: ClinVar variation 3376198 (VCV003376198.2).